The following is an entry in ClinVar:

ClinVar aggregate classification (germline): Uncertain significance. Review status: criteria provided, multiple submitters, no conflicts (2 of 4 stars). 4 submissions from 4 submitters: Uncertain significance (3). 1 of the submissions does not count toward it. Last evaluated 2025-07-22.

Conditions:
Familial cancer of breast. Also called: BREAST CANCER, FAMILIAL; Hereditary breast cancer; hereditary breast carcinoma. Identifiers: Orphanet 227535, MedGen C0346153, MONDO:0016419, OMIM 114480. Disease mechanism: loss of function.
BRCA2-related disorder. Also called: BRCA2-related condition; BRCA2-related disorders. Identifiers: MedGen CN239275.
Hereditary cancer-predisposing syndrome. Also called: Neoplastic Syndromes, Hereditary; Hereditary Cancer Syndrome; Hereditary neoplastic syndrome; Tumor predisposition. Identifiers: Orphanet 140162, MedGen C0027672, MeSH D009386, MONDO:0015356.
Hereditary breast ovarian cancer syndrome. Also called: Hereditary breast and ovarian cancer syndrome (HBOC); Hereditary breast and ovarian cancer syndrome; Breast and ovarian cancer; Hereditary breast and/or ovarian cancer syndrome; Hereditary breast and ovarian cancer; BRCA1- and BRCA2-Associated Hereditary Breast and Ovarian Cancer. Identifiers: Orphanet 145, MedGen C0677776, MeSH D061325, MONDO:0003582. Disease mechanism: loss of function.

Submissions (4):

Ambry Genetics
Classification: Uncertain significance for Hereditary cancer-predisposing syndrome. Last evaluated: 2025-07-22. Review status: criteria provided, single submitter. Criteria: Ambry Variant Classification Scheme 2023. Collection method: clinical testing. Allele origin: germline.
Comment: The c.9959_9961delCTC variant (also known as p.P3320del) is located in coding exon 26 of the BRCA2 gene. This variant results from an in-frame CTC deletion at nucleotide positions 9959 to 9961. This results in the in-frame deletion of a proline at codon 3320. This amino acid position is not well conserved in available vertebrate species. This alteration has been identified in 2/2351 Italian individuals diagnosed with breast and/or ovarian cancer (Santonocito C et al. Cancers (Basel), 2020 May;12:). In addition, the in silico prediction for this alteration is inconclusive (Choi Y et al. PLoS ONE. 2012; 7(10):e46688). Since supporting evidence is limited at this time, the clinical significance of this alteration remains unclear.

Labcorp Genetics (formerly Invitae), Labcorp
Classification: Uncertain significance for Hereditary breast ovarian cancer syndrome. Last evaluated: 2025-04-02. Review status: criteria provided, single submitter. Criteria: Invitae Variant Classification Sherloc (09022015). Collection method: clinical testing. Allele origin: germline.
Comment: This variant, c.9959_9961del, results in the deletion of 1 amino acid(s) of the BRCA2 protein (p.Pro3320del), but otherwise preserves the integrity of the reading frame. This variant is present in population databases (rs745685382, gnomAD 0.0009%). This variant has been observed in individual(s) with personal history of breast and/or ovarian cancer (PMID: 32438681). ClinVar contains an entry for this variant (Variation ID: 462542). Experimental studies and prediction algorithms are not available or were not evaluated, and the functional significance of this variant is currently unknown. In summary, the available evidence is currently insufficient to determine the role of this variant in disease. Therefore, it has been classified as a Variant of Uncertain Significance.

Baylor Genetics
Classification: Uncertain significance for Familial cancer of breast. Last evaluated: 2024-03-01. Review status: criteria provided, single submitter. Criteria: ACMG Guidelines, 2015. Collection method: clinical testing. Allele origin: unknown.

PreventionGenetics, part of Exact Sciences
Classification: Uncertain significance for BRCA2-related condition. Last evaluated: 2024-08-17. Review status: no assertion criteria provided. Collection method: clinical testing. Allele origin: germline. Not counted in ClinVar's aggregate classification.
Comment: The BRCA2 c.9959_9961delCTC variant is predicted to result in an in-frame deletion (p.Pro3320del). This variant was reported in two individuals with breast and/or ovarian cancer (Table 2. Santonocito et al. 2020. PubMed ID: 32438681). This variant is reported in 0.00088% of alleles in individuals of European (Non-Finnish) descent in gnomAD, and is classified as a variant of uncertain significance in ClinVar. At this time, the clinical significance of this variant is uncertain due to the absence of conclusive functional and genetic evidence.

Literature cited by the submitters: PubMed 32438681 (cited by Ambry Genetics and Labcorp Genetics (formerly Invitae), Labcorp).

NM_000059.4(BRCA2):c.9956CTC[1] (p.Pro3320del)

Gene: BRCA2 (BRCA2 DNA repair associated; plus strand). Cytogenetic location: 13q13.1.
Variant type: Microsatellite.
Coding change: c.9956CTC[1] on transcript NM_000059.4 (MANE Select); one copy of the 3-base unit CTC starting at c.9956; the reference has two copies in a row; one copy, 3 bases deleted; also written c.9959_9961del.
Protein change: p.Pro3320del; deletes proline 3320.
Molecular consequence: inframe deletion.
Genome position (GRCh38, 1-based): chr13:32,398,472-32,398,474, CTC deleted; deleting any 3 consecutive bases within chr13:32,398,469-32,398,474 gives the same sequence; the position shown is the placement nearest the transcript's 3' end. VCF-style (leftmost placement, unchanged base first): chr13-32398468-TCTC-T. GRCh37 (hg19) VCF-style: chr13-32972605-TCTC-T.
Other names: c.9959_9961delCTC (NM_000059.3); c.9959_9961del (NM_000059.4); short protein forms P3320del.
Identifiers: ClinVar variation 462542 (VCV000462542.15), dbSNP rs745685382, ClinGen allele CA6941459.